The following is an entry in ClinVar:

ClinVar aggregate classification (germline): Uncertain significance. Review status: criteria provided, multiple submitters, no conflicts (2 of 4 stars). 2 submissions from 2 submitters: Uncertain significance (2). Last evaluated 2026-07-29.

Conditions:
DICER1-related tumor predisposition. Also called: DICER1-related pleuropulmonary blastoma cancer predisposition syndrome; DICER1 syndrome. Identifiers: Orphanet 284343, MedGen C3839822, MONDO:0100216.
Hereditary cancer-predisposing syndrome. Also called: Tumor predisposition; Hereditary Cancer Syndrome; Hereditary neoplastic syndrome; Neoplastic Syndromes, Hereditary. Identifiers: Orphanet 140162, MedGen C0027672, MeSH D009386, MONDO:0015356.

Submissions (2):

Ambry Genetics
Classification: Uncertain significance for Hereditary cancer-predisposing syndrome. Last evaluated: 2026-07-29. Review status: criteria provided, single submitter. Criteria: Ambry Variant Classification Scheme 2023. Collection method: clinical testing. Allele origin: germline.
Comment: The c.3692_3693delCCinsGT variant, located in coding exon 20 of the DICER1 gene, results from an in-frame deletion of CC and insertion of GT at nucleotide positions 3692 to 3693. This results in the substitution of the proline residue for an arginine residue at codon 1231, an amino acid with dissimilar properties. This amino acid position is well conserved in available vertebrate species. In addition, this alteration is predicted to be deleterious by in silico analysis. Based on the available evidence, the clinical significance of this variant remains unclear.

Labcorp Genetics (formerly Invitae), Labcorp
Classification: Uncertain significance for DICER1-related tumor predisposition. Last evaluated: 2021-09-17. Review status: criteria provided, single submitter. Criteria: Invitae Variant Classification Sherloc (09022015). Collection method: clinical testing. Allele origin: germline.
Comment: In summary, the available evidence is currently insufficient to determine the role of this variant in disease. Therefore, it has been classified as a Variant of Uncertain Significance. Algorithms developed to predict the effect of missense changes on protein structure and function are either unavailable or do not agree on the potential impact of this missense change (SIFT: "Not Available"; PolyPhen-2: "Benign"; Align-GVGD: "Not Available"). ClinVar contains an entry for this variant (Variation ID: 998767). This variant has not been reported in the literature in individuals affected with DICER1-related conditions. The frequency data for this variant in the population databases is not available, as this variant may be reported as separate entries in the ExAC database. This sequence change replaces proline with arginine at codon 1231 of the DICER1 protein (p.Pro1231Arg). The proline residue is moderately conserved and there is a moderate physicochemical difference between proline and arginine.

NM_177438.3(DICER1):c.3692_3693delinsGT (p.Pro1231Arg)

Gene: DICER1 (dicer 1, ribonuclease III; minus strand). Cytogenetic location: 14q32.13.
Variant type: Indel.
Coding change: c.3692_3693delinsGT on transcript NM_177438.3 (MANE Select); coding-DNA positions 3692 to 3693, CC replaced by GT.
Protein change: p.Pro1231Arg; replaces proline 1231 with arginine.
Molecular consequence: missense variant.
Genome position (GRCh38, 1-based): chr14:95,103,703-95,103,704, GG replaced by AC on the plus strand (CC replaced by GT on the coding strand, the reverse complement: DICER1 is on the minus strand). VCF-style: chr14-95103703-GG-AC. GRCh37 (hg19) VCF-style: chr14-95570040-GG-AC.
Other names: c.3692_3693delinsGT, p.Pro1231Arg (NM_001195573.1, NM_001271282.3, NM_001291628.2 and 1 more transcripts); c.3692_3693delCCinsGT (NM_177438.2); short protein forms P1231R.
Identifiers: ClinVar variation 998767 (VCV000998767.9), dbSNP rs1891118949, ClinGen allele CA2156306911.